The following is an entry in ClinVar:

NM_001025356.3(ANO6):c.1192C>T (p.Arg398Ter)

Gene: ANO6 (anoctamin 6; plus strand). Cytogenetic location: 12q12.
Variant type: single nucleotide variant.
Coding change: c.1192C>T on transcript NM_001025356.3 (MANE Select); coding-DNA position 1192, C replaced by T.
Protein change: p.Arg398Ter; replaces arginine 398 with a stop codon.
Molecular consequence: nonsense.
Genome position (GRCh38, 1-based): chr12:45,388,187, C>T. VCF-style: chr12-45388187-C-T. GRCh37 (hg19) VCF-style: chr12-45781970-C-T.
Other names: c.1138C>T, p.Arg380Ter (NM_001142678.2); c.1192C>T, p.Arg398Ter (NM_001142679.2); c.1255C>T, p.Arg419Ter (NM_001204803.2); short protein forms R380*, R419*, R398*.
Identifiers: ClinVar variation 3709177 (VCV003709177.2), dbSNP rs751953918.
Genomic context (GRCh38, chr12:45,388,187, plus strand): 5'-AAAATCCACACAAGCTCTTCTGTCTCTCTGTTAGTTACCTTGTTTTTGGAGTTTTGGAAG[C>T]GACGCCAGGCAGAACTTGAGTATGAATGGGATACTGTTGAGTTACAGCAGGAAGAACAAG-3'

ClinVar aggregate classification (germline): Pathogenic (1 of 4 stars; one submission).

gnomAD v4.1: 14 of 1,613,764 alleles (0.00087%); highest among the groups gnomAD compares: African/African-American, 0.008%; no homozygotes.

Submission:

Labcorp Genetics (formerly Invitae), Labcorp
Classification: Pathogenic. Last evaluated: 2026-01-24. Review status: criteria provided, single submitter. Criteria: Invitae Variant Classification Sherloc (09022015). Collection method: clinical testing. Allele origin: germline.
Comment: This sequence change creates a premature translational stop signal (p.Arg398*) in the ANO6 gene. It is expected to result in an absent or disrupted protein product. Loss-of-function variants in ANO6 are known to be pathogenic (PMID: 21107324, 21511967, 27879994). This variant is present in population databases (rs751953918, gnomAD 0.02%). This variant has not been reported in the literature in individuals affected with ANO6-related conditions. ClinVar contains an entry for this variant (Variation ID: 3709177). Algorithms developed to predict the effect of sequence changes on RNA splicing suggest that this variant may disrupt the consensus splice site. For these reasons, this variant has been classified as Pathogenic.

Literature cited by the submitters: PubMed 21107324; PubMed 21511967; PubMed 27879994.